The following is an entry in ClinVar:

NM_001110556.2(FLNA):c.3400_3402del (p.Tyr1134del)

Gene: FLNA (filamin A; minus strand). Cytogenetic location: Xq28.
Variant type: Deletion.
Coding change: c.3400_3402del on transcript NM_001110556.2 (MANE Select); coding-DNA positions 3400 to 3402, 3 bases deleted (TAC; older notation c.3400_3402delTAC).
Protein change: p.Tyr1134del; deletes tyrosine 1134.
Genome position (GRCh38, 1-based): chrX:154,360,393-154,360,395, GTA deleted on the plus strand (TAC on the coding strand, the reverse complement: FLNA is on the minus strand); deleting any 3 consecutive bases within chrX:154,360,393-154,360,397 gives the same sequence; the c. name uses the placement nearest the transcript's 3' end. VCF-style (leftmost placement, unchanged base first): chrX-154360392-TGTA-T. GRCh37 (hg19) VCF-style: chrX-153588760-TGTA-T.
Other names: c.3400_3402del, p.Tyr1134del (NM_001456.4); short protein forms Y1134del.
Identifiers: ClinVar variation 3515888 (VCV003515888.1).

ClinVar aggregate classification (germline): Uncertain significance (1 of 4 stars; one submission).

Conditions:
Familial thoracic aortic aneurysm and aortic dissection (TAAD). Also called: Thoracic aortic aneurysms and dissections. Identifiers: Orphanet 91387, MedGen C4707243, MONDO:0019625.

Submission:

Ambry Genetics
Classification: Uncertain significance for Familial thoracic aortic aneurysm and aortic dissection. Last evaluated: 2024-10-11. Review status: criteria provided, single submitter. Criteria: Ambry Variant Classification Scheme 2023. Collection method: clinical testing. Allele origin: germline.
Comment: The c.3400_3402delTAC variant (also known as p.Y1134del) is located in coding exon 21 of the FLNA gene. This variant results from an in-frame TAC deletion at nucleotide positions 3400 to 3402. This results in the in-frame deletion of a tyrosine at codon 1134. This amino acid position is highly conserved in available vertebrate species. In addition, this alteration is predicted to be deleterious by in silico analysis (Choi Y et al. PLoS ONE. 2012; 7(10):e46688). Based on the available evidence, the clinical significance of this variant remains unclear.